The following is an entry in ClinVar:

ClinVar aggregate classification (germline): Uncertain significance (1 of 4 stars; one submission).

Submission:

GeneDx
Classification: Uncertain significance. Last evaluated: 2023-10-03. Review status: criteria provided, single submitter. Criteria: GeneDx Variant Classification Process June 2021. Collection method: clinical testing. Allele origin: germline. Affected: yes.
Comment: Not observed at significant frequency in large population cohorts (gnomAD); In silico analysis supports that this missense variant has a deleterious effect on protein structure/function; Has not been previously published as pathogenic or benign to our knowledge

NM_000188.3(HK1):c.1634T>C (p.Ile545Thr)

Gene: HK1 (hexokinase 1; plus strand). Cytogenetic location: 10q22.1.
Variant type: single nucleotide variant.
Coding change: c.1634T>C on transcript NM_000188.3 (MANE Select); coding-DNA position 1634, T replaced by C.
Protein change: p.Ile545Thr; replaces isoleucine 545 with threonine.
Molecular consequence: missense variant.
Genome position (GRCh38, 1-based): chr10:69,384,396, T>C. VCF-style: chr10-69384396-T-C. GRCh37 (hg19) VCF-style: chr10-71144152-T-C.
Other names: c.1646T>C, p.Ile549Thr (NM_001322364.2, NM_001358263.1, NM_033497.3 and 1 more transcripts); c.1739T>C, p.Ile580Thr (NM_001322365.2); c.1550T>C, p.Ile517Thr (NM_001322366.1); c.1538T>C, p.Ile513Thr (NM_001322367.1); c.1631T>C, p.Ile544Thr (NM_033496.3); c.1598T>C, p.Ile533Thr (NM_033500.2); short protein forms I513T, I517T, I533T, I544T, I545T, I549T, I580T.
Identifiers: ClinVar variation 3252398 (VCV003252398.1), dbSNP rs2540429608.